The following is an entry in ClinVar:

NM_025099.6(CTC1):c.3529C>G (p.Gln1177Glu)

Gene: CTC1 (CST telomere replication complex component 1; minus strand). Cytogenetic location: 17p13.1.
Variant type: single nucleotide variant.
Coding change: c.3529C>G on transcript NM_025099.6 (MANE Select); coding-DNA position 3529, C replaced by G.
Protein change: p.Gln1177Glu; replaces glutamine 1177 with glutamic acid.
Molecular consequence: missense variant. On other transcripts: non-coding transcript variant (1).
Genome position (GRCh38, 1-based): chr17:8,228,305, G>C on the plus strand (C>G on the coding strand, the complement: CTC1 is on the minus strand). VCF-style: chr17-8228305-G-C. GRCh37 (hg19) VCF-style: chr17-8131623-G-C.
Other names: short protein forms Q1177E.
Identifiers: ClinVar variation 1362378 (VCV001362378.8), dbSNP rs1349506921, ClinGen allele CA397968004.

ClinVar aggregate classification (germline): Uncertain significance (1 of 4 stars; one submission).

Conditions:
Dyskeratosis congenita. Identifiers: Orphanet 1775, MedGen C0265965, MONDO:0015780.

Submission:

Labcorp Genetics (formerly Invitae), Labcorp
Classification: Uncertain significance for Dyskeratosis congenita. Last evaluated: 2022-11-22. Review status: criteria provided, single submitter. Criteria: Invitae Variant Classification Sherloc (09022015). Collection method: clinical testing. Allele origin: germline.
Comment: ClinVar contains an entry for this variant (Variation ID: 1362378). Algorithms developed to predict the effect of missense changes on protein structure and function are either unavailable or do not agree on the potential impact of this missense change (SIFT: "Deleterious"; PolyPhen-2: "Possibly Damaging"; Align-GVGD: "Class C0"). In summary, the available evidence is currently insufficient to determine the role of this variant in disease. Therefore, it has been classified as a Variant of Uncertain Significance. This variant has not been reported in the literature in individuals affected with CTC1-related conditions. This variant is not present in population databases (gnomAD no frequency). This sequence change replaces glutamine, which is neutral and polar, with glutamic acid, which is acidic and polar, at codon 1177 of the CTC1 protein (p.Gln1177Glu).